The following is an entry in ClinVar:

ClinVar aggregate classification (germline): Uncertain significance (1 of 4 stars; one submission).

Conditions:
Hereditary cancer-predisposing syndrome. Also called: Tumor predisposition; Hereditary Cancer Syndrome; Hereditary neoplastic syndrome; Neoplastic Syndromes, Hereditary. Identifiers: Orphanet 140162, MedGen C0027672, MeSH D009386, MONDO:0015356.

Submission:

Ambry Genetics
Classification: Uncertain significance for Hereditary cancer-predisposing syndrome. Last evaluated: 2024-03-22. Review status: criteria provided, single submitter. Criteria: Ambry Variant Classification Scheme 2023. Collection method: clinical testing. Allele origin: germline.
Comment: The p.S650R variant (also known as c.1948A>C), located in coding exon 6 of the MET gene, results from an A to C substitution at nucleotide position 1948. The serine at codon 650 is replaced by arginine, an amino acid with dissimilar properties. This amino acid position is conserved. In addition, this alteration is predicted to be tolerated by in silico analysis. Based on the available evidence, the clinical significance of this alteration remains unclear.

NM_000245.4(MET):c.1948A>C (p.Ser650Arg)

Gene: MET (MET proto-oncogene, receptor tyrosine kinase; plus strand). Cytogenetic location: 7q31.2.
Variant type: single nucleotide variant.
Coding change: c.1948A>C on transcript NM_000245.4 (MANE Select); coding-DNA position 1948, A replaced by C.
Protein change: p.Ser650Arg; replaces serine 650 with arginine.
Molecular consequence: missense variant.
Genome position (GRCh38, 1-based): chr7:116,757,522, A>C. VCF-style: chr7-116757522-A-C. GRCh37 (hg19) VCF-style: chr7-116397576-A-C.
Other names: c.1948A>C, p.Ser650Arg (NM_001127500.3, NM_001324401.3); c.658A>C, p.Ser220Arg (NM_001324402.2); short protein forms S220R, S650R.
Identifiers: ClinVar variation 3294321 (VCV003294321.1).
Genomic context (GRCh38, chr7:116,757,522, plus strand): 5'-ATGAATAAGCATTTCAATATGTCCATAATTATTTCAAATGGCCACGGGACAACACAATAC[A>C]GTACATTCTCCTATGTGGTAAGGAAGATTCTATCCTATCATGTTTGATTTTTACTTAATC-3'
Protein context (NP_000236.2, residues 640-660): ISNGHGTTQY[Ser650Arg]TFSYVDPVIT